The following is an entry in ClinVar:

NM_000222.3(KIT):c.1203T>C (p.Ala401=)

Gene: KIT (KIT proto-oncogene, receptor tyrosine kinase; plus strand). Cytogenetic location: 4q12.
Variant type: single nucleotide variant.
Coding change: c.1203T>C on transcript NM_000222.3 (MANE Select); coding-DNA position 1203, T replaced by C.
Protein change: p.Ala401=; no amino-acid change (alanine 401 retained).
Molecular consequence: synonymous variant.
Genome position (GRCh38, 1-based): chr4:54,709,511, T>C. VCF-style: chr4-54709511-T-C. GRCh37 (hg19) VCF-style: chr4-55575677-T-C.
Other names: c.1203T>C, p.Ala401= (NM_001093772.2, NM_001385285.1, NM_001385286.1); c.1206T>C, p.Ala402= (NM_001385284.1, NM_001385288.1, NM_001385290.1 and 1 more transcripts).
Identifiers: ClinVar variation 4823193 (VCV004823193.4).

ClinVar aggregate classification (germline): Likely benign (1 of 4 stars; one submission).

Submission:

CeGaT Center for Human Genetics Tuebingen
Classification: Likely benign. Last evaluated: 2026-01-01. Review status: criteria provided, single submitter. Criteria: CeGaT Center For Human Genetics Tuebingen Variant Classification Criteria Version 2. Collection method: clinical testing. Allele origin: germline. Affected: yes. Observed: 1 variant allele.
Comment: KIT: PM2:Supporting, BP4, BP7